The following is an entry in ClinVar:

NM_198252.3(GSN):c.611G>A (p.Arg204Gln)

Gene: GSN (gelsolin; plus strand). Cytogenetic location: 9q33.2.
Variant type: single nucleotide variant.
Coding change: c.611G>A on transcript NM_198252.3 (MANE Select); coding-DNA position 611, G replaced by A.
Protein change: p.Arg204Gln; replaces arginine 204 with glutamine.
Molecular consequence: missense variant. On other transcripts: 5 prime UTR variant (1).
Genome position (GRCh38, 1-based): chr9:121,312,436, G>A. VCF-style: chr9-121312436-G-A. GRCh37 (hg19) VCF-style: chr9-124074714-G-A.
Other names: c.764G>A, p.Arg255Gln (NM_000177.5); c.611G>A, p.Arg204Gln (NM_001127662.2, NM_001127664.2, NM_001127665.2 and 10 more transcripts); c.719G>A, p.Arg240Gln (NM_001127663.2); c.644G>A, p.Arg215Gln (NM_001127666.2, NM_001127667.2, NM_001353063.2 and 13 more transcripts); c.662G>A, p.Arg221Gln (NM_001258029.2); c.635G>A, p.Arg212Gln (NM_001258030.2); c.683G>A, p.Arg228Gln (NM_001353076.2); c.-44G>A (NM_001353078.2); short protein forms R204Q, R215Q, R228Q, R240Q, R255Q, R212Q, R221Q.
Identifiers: ClinVar variation 2601686 (VCV002601686.6), dbSNP rs766464271, ClinGen allele CA5220947.

ClinVar aggregate classification (germline): Uncertain significance. Review status: criteria provided, multiple submitters, no conflicts (2 of 4 stars). 3 submissions from 3 submitters: Uncertain significance (3). Last evaluated 2025-11-06.

Conditions:
Inborn genetic diseases. Identifiers: MedGen C0950123, MeSH D030342.
Finnish type amyloidosis. Also called: Amyloidosis, familial, Finnish type; Meretoja type amyloidosis; Amyloidosis 5; AMYLOID CRANIAL NEUROPATHY WITH LATTICE CORNEAL DYSTROPHY; AMYLOIDOSIS DUE TO MUTANT GELSOLIN; AMYLOIDOSIS, HEREDITARY SYSTEMIC 4, FINNISH TYPE. Identifiers: Orphanet 85448, MedGen C1622345, MONDO:0007097, OMIM 105120.

Allele frequency attached by ClinVar (database versions not stated): gnomAD 0.00001; gnomAD exomes 0.00002; TOPMed 0.00002; ExAC 0.00003.

Submissions (3):

Labcorp Genetics (formerly Invitae), Labcorp
Classification: Uncertain significance. Last evaluated: 2025-11-06. Review status: criteria provided, single submitter. Criteria: Invitae Variant Classification Sherloc (09022015). Collection method: clinical testing. Allele origin: germline.
Comment: This sequence change replaces arginine, which is basic and polar, with glutamine, which is neutral and polar, at codon 255 of the GSN protein (p.Arg255Gln). This variant is present in population databases (rs766464271, gnomAD 0.003%). This variant has not been reported in the literature in individuals affected with GSN-related conditions. ClinVar contains an entry for this variant (Variation ID: 2601686). Invitae Evidence Modeling of protein sequence and biophysical properties (such as structural, functional, and spatial information, amino acid conservation, physicochemical variation, residue mobility, and thermodynamic stability) indicates that this missense variant is expected to disrupt GSN protein function with a positive predictive value of 80%. In summary, the available evidence is currently insufficient to determine the role of this variant in disease. Therefore, it has been classified as a Variant of Uncertain Significance.

Fulgent Genetics
Classification: Uncertain significance for Finnish type amyloidosis. Last evaluated: 2024-04-08. Review status: criteria provided, single submitter. Criteria: ACMG Guidelines, 2015. Collection method: clinical testing. Allele origin: germline.

Ambry Genetics
Classification: Uncertain significance for Inborn genetic diseases. Last evaluated: 2023-07-17. Review status: criteria provided, single submitter. Criteria: Ambry Variant Classification Scheme 2023. Collection method: clinical testing. Allele origin: germline.